The following is an entry in ClinVar:

NM_020738.4(KIDINS220):c.1263_1264del (p.Gln421fs)

Gene: KIDINS220 (kinase D interacting substrate 220; minus strand). Cytogenetic location: 2p25.1.
Variant type: Deletion.
Coding change: c.1263_1264del on transcript NM_020738.4 (MANE Select); coding-DNA positions 1263 to 1264, 2 bases deleted (AA; older notation c.1263_1264delAA).
Protein change: p.Gln421fs; shifts the reading frame from glutamine 421.
Molecular consequence: frameshift variant. On other transcripts: non-coding transcript variant (2).
Genome position (GRCh38, 1-based): chr2:8,793,822-8,793,823, TT deleted on the plus strand (AA on the coding strand, the reverse complement: KIDINS220 is on the minus strand); deleting any 2 consecutive bases within chr2:8,793,822-8,793,824 gives the same sequence; the c. name uses the placement nearest the transcript's 3' end. VCF-style (leftmost placement, unchanged base first): chr2-8793821-ATT-A. GRCh37 (hg19) VCF-style: chr2-8933951-ATT-A.
Other names: c.1266_1267del, p.Gln422fs (NM_001348729.2, NM_001348731.2, NM_001348734.2 and 3 more transcripts); c.1263_1264del, p.Gln421fs (NM_001348732.2, NM_001348735.2, NM_001348738.2 and 3 more transcripts); c.1137_1138del, p.Gln379fs (NM_001348736.2); c.1263_1264delAA (NM_020738.2); short protein forms Q379fs, Q421fs, Q422fs.
Identifiers: ClinVar variation 2579573 (VCV002579573.2), dbSNP rs1673531830, ClinGen allele CA1027374301.

ClinVar aggregate classification (germline): Pathogenic. Review status: criteria provided, single submitter (1 of 4 stars). 2 submissions from 2 submitters: Pathogenic (1). 1 of the submissions does not count toward it. Last evaluated 2023-09-07.

Conditions:
KIDINS220-related disorder. Also called: KIDINS220-related condition.

Submissions (2):

GeneDx
Classification: Pathogenic. Last evaluated: 2023-09-07. Review status: criteria provided, single submitter. Criteria: GeneDx Variant Classification Process June 2021. Collection method: clinical testing. Allele origin: germline. Affected: yes.
Comment: Frameshift variant predicted to result in protein truncation or nonsense mediated decay in a gene for which loss of function is a known mechanism of disease; Not observed in large population cohorts (gnomAD); Reported in an individual with autosomal recessive KIDINS220-related disorder, who is likely this same patient (Brady et al., 2022); This variant is associated with the following publications: (PMID: 36588759)

PreventionGenetics, part of Exact Sciences
Classification: Likely pathogenic for KIDINS220-related condition. Last evaluated: 2024-04-11. Review status: no assertion criteria provided. Collection method: clinical testing. Allele origin: germline. Not counted in ClinVar's aggregate classification.
Comment: The KIDINS220 c.1263_1264delAA variant is predicted to result in a frameshift and premature protein termination (p.Gln421Hisfs*11). This variant has been reported in the compound heterozygous state in a patient with global developmental delay, spasticity, bilateral clubfoot, and severe bilateral ventriculomegaly (Brady et al. 2022. PubMed ID: 36588759). This variant has not been reported in gnomAD, indicating this variant is rare. Frameshift variants in KIDINS220 are expected to be pathogenic. However, this variant is located in exon 12 of 30, and therefore is expected to be pathogenic only for autosomal recessive KIDINS220-associated disorders.